The following is an entry in ClinVar:

NM_000443.4(ABCB4):c.3001A>G (p.Lys1001Glu)

Gene: ABCB4 (ATP binding cassette subfamily B member 4; minus strand). Cytogenetic location: 7q21.12.
Variant type: single nucleotide variant.
Coding change: c.3001A>G on transcript NM_000443.4 (MANE Select); coding-DNA position 3001, A replaced by G.
Protein change: p.Lys1001Glu; replaces lysine 1001 with glutamic acid.
Molecular consequence: missense variant.
Genome position (GRCh38, 1-based): chr7:87,409,316, T>C on the plus strand (A>G on the coding strand, the complement: ABCB4 is on the minus strand). VCF-style: chr7-87409316-T-C. GRCh37 (hg19) VCF-style: chr7-87038632-T-C.
Other names: c.3001A>G, p.Lys1001Glu (NM_018849.3); c.2860A>G, p.Lys954Glu (NM_018850.3); c.3001A>G (NM_000443.3); short protein forms K1001E, K954E.
Identifiers: ClinVar variation 597517 (VCV000597517.9), dbSNP rs1476260159, ClinGen allele CA368059987.

ClinVar aggregate classification (germline): Uncertain significance. Review status: criteria provided, multiple submitters, no conflicts (2 of 4 stars). 5 submissions from 5 submitters: Uncertain significance (5). Last evaluated 2026-01-13.

Conditions:
ABCB4-related disorder. Also called: ABCB4-related disorders; ABCB4-related condition.
Inborn genetic diseases. Identifiers: MedGen C0950123, MeSH D030342.

Allele frequency attached by ClinVar (database versions not stated): TOPMed 0.00001; gnomAD exomes below 0.00001 and 0.00001.
gnomAD v4.1: 2 of 1,614,088 alleles (0.00012%); highest among the groups gnomAD compares: Admixed American, 0.0033%; no homozygotes.

Submissions (5):

Labcorp Genetics (formerly Invitae), Labcorp
Classification: Uncertain significance. Last evaluated: 2026-01-13. Review status: criteria provided, single submitter. Criteria: Invitae Variant Classification Sherloc (09022015). Collection method: clinical testing. Allele origin: germline.
Comment: This sequence change replaces lysine, which is basic and polar, with glutamic acid, which is acidic and polar, at codon 1001 of the ABCB4 protein (p.Lys1001Glu). This variant is present in population databases (no rsID available, gnomAD 0.006%). This variant has not been reported in the literature in individuals affected with ABCB4-related conditions. ClinVar contains an entry for this variant (Variation ID: 597517). Invitae Evidence Modeling of protein sequence and biophysical properties (such as structural, functional, and spatial information, amino acid conservation, physicochemical variation, residue mobility, and thermodynamic stability) has been performed for this missense variant. However, the output from this modeling did not meet the statistical confidence thresholds required to predict the impact of this variant on ABCB4 protein function. In summary, the available evidence is currently insufficient to determine the role of this variant in disease. Therefore, it has been classified as a Variant of Uncertain Significance.

Ambry Genetics
Classification: Uncertain significance for Inborn genetic diseases. Last evaluated: 2025-11-19. Review status: criteria provided, single submitter. Criteria: Ambry Variant Classification Scheme 2023. Collection method: clinical testing. Allele origin: germline.

PreventionGenetics, part of Exact Sciences
Classification: Uncertain significance for ABCB4-related condition. Last evaluated: 2025-07-31. Review status: criteria provided, single submitter. Criteria: ACMG Guidelines, 2015. Collection method: clinical testing. Allele origin: germline.
Comment: The ABCB4 c.3001A>G variant is predicted to result in the amino acid substitution p.Lys1001Glu. To our knowledge, this variant has not been reported in the literature. This variant is reported in 0.0058% of alleles in individuals of Latino descent in gnomAD. At this time, the clinical significance of this variant is uncertain due to the absence of conclusive functional and genetic evidence.

Blueprint Genetics
Classification: Uncertain significance. Last evaluated: 2020-06-04. Review status: criteria provided, single submitter. Criteria: ACMG Guidelines, 2015. Collection method: clinical testing. Allele origin: germline.

Eurofins Ntd Llc (ga)
Classification: Uncertain significance. Last evaluated: 2018-06-08. Review status: criteria provided, single submitter. Criteria: EGL ClinVar v180209 classification definitions. Collection method: clinical testing. Allele origin: germline. Observed: 1 variant allele, 1 heterozygote.